The following is an entry in ClinVar:

ClinVar aggregate classification (germline): Benign. Review status: criteria provided, single submitter (1 of 4 stars). 2 submissions from 2 submitters: Benign (1). 1 of the submissions does not count toward it. Last evaluated 2018-06-29.

Conditions:
BMP5-related disorder. Also called: BMP5-related condition.

Allele frequency attached by ClinVar (database versions not stated): gnomAD exomes 0.00028 and 0.00080; ExAC 0.00088; gnomAD 0.00293 and 0.00313; TOPMed 0.00318; 1000 Genomes Project 0.00399; ESP Exome Variant Server 0.00415; 1000 Genomes Project 30x 0.00453.
gnomAD v4.1: 877 of 1,613,814 alleles (0.054%); highest among the groups gnomAD compares: African/African-American, 0.97%; 2 homozygotes.

Submissions (2):

Labcorp Genetics (formerly Invitae), Labcorp
Classification: Benign. Last evaluated: 2018-06-29. Review status: criteria provided, single submitter. Criteria: Invitae Variant Classification Sherloc (09022015). Collection method: clinical testing. Allele origin: germline.

PreventionGenetics, part of Exact Sciences
Classification: Benign for BMP5-related condition. Last evaluated: 2019-04-05. Review status: no assertion criteria provided. Collection method: clinical testing. Allele origin: germline. Not counted in ClinVar's aggregate classification.
Comment: This variant is classified as benign based on ACMG/AMP sequence variant interpretation guidelines (Richards et al. 2015 PMID: 25741868, with internal and published modifications).

NM_021073.4(BMP5):c.625T>C (p.Phe209Leu)

Gene: BMP5 (bone morphogenetic protein 5; minus strand). Cytogenetic location: 6p12.1.
Variant type: single nucleotide variant.
Coding change: c.625T>C on transcript NM_021073.4 (MANE Select); coding-DNA position 625, T replaced by C.
Protein change: p.Phe209Leu; replaces phenylalanine 209 with leucine.
Molecular consequence: missense variant.
Genome position (GRCh38, 1-based): chr6:55,819,713, A>G on the plus strand (T>C on the coding strand, the complement: BMP5 is on the minus strand). VCF-style: chr6-55819713-A-G. GRCh37 (hg19) VCF-style: chr6-55684511-A-G.
Other names: c.625T>C, p.Phe209Leu (NM_001329754.2, NM_001329756.2); short protein forms F209L.
Identifiers: ClinVar variation 714767 (VCV000714767.5), dbSNP rs141418328, ClinGen allele CA3864828.